The following is an entry in ClinVar:

ClinVar aggregate classification (germline): Likely pathogenic (1 of 4 stars; one submission).

Conditions:
Dilated cardiomyopathy 1G (CMD1G). Identifiers: Orphanet 154, MedGen C1858763, MONDO:0011400, OMIM 604145.

Submission:

Clinical Genetics Laboratory, Skane University Hospital Lund
Classification: Likely pathogenic for Dilated cardiomyopathy 1G. Last evaluated: 2025-10-27. Review status: criteria provided, single submitter. Criteria: ACMG Guidelines, 2015. Collection method: clinical testing. Allele origin: germline. Affected: yes.
Comment: TTN (NM_001267550.2) c.74589dup p.(Ala24864Cysfs*15) represents a heterozygous duplication of one base pair in exon 326 of 363, which results in a frameshift and a premature stop codon, leading to a truncated protein or loss of protein expression from the allele. The TTN c.74589dup variant is located in the region of the TTN protein encoding the A-band, and truncating variants in the A-band have a high likelihood of being causative and are clinically relevant for dilated cardiomyopathy. TTN c.74589dup has not been observed in the normal population (gnomAD), has not been previously described in the literature. The variant has been classified as likely pathogenic according to the following ACMG criteria: PVS1 and PM2.

NM_001267550.2(TTN):c.74589dup (p.Ala24864fs)

Genes: TTN (titin; minus strand), TTN-AS1 (TTN antisense RNA 1; plus strand). Cytogenetic location: 2q31.2.
Variant type: Duplication.
Coding change: c.74589dup on transcript NM_001267550.2 (MANE Select); coding-DNA position 74589, one base duplicated (T; older notation c.74589dupT).
Protein change: p.Ala24864fs; shifts the reading frame from alanine 24864.
Molecular consequence: frameshift variant.
Genome position (GRCh38, 1-based): chr2:178,571,543, A duplicated on the plus strand (T on the coding strand, the reverse complement: TTN is on the minus strand); the first of 2 consecutive A bases (chr2:178,571,543-178,571,544); duplicating either gives the same sequence. VCF-style (leftmost placement, unchanged base first): chr2-178571542-C-CA. GRCh37 (hg19) VCF-style: chr2-179436269-C-CA.
Other names: c.74589dup (NM_001267550.1); c.69666dup, p.Ala23223fs (NM_001256850.1); c.47394dup, p.Ala15799fs (NM_003319.4); c.66885dup, p.Ala22296fs (NM_133378.4); c.47769dup, p.Ala15924fs (NM_133432.3); c.47970dup, p.Ala15991fs (NM_133437.4); short protein forms A15799fs, A15924fs, A15991fs, A22296fs, A23223fs, A24864fs.
Identifiers: ClinVar variation 3336973 (VCV003336973.2).